The following is an entry in ClinVar:

ClinVar aggregate classification (germline): Uncertain significance (1 of 4 stars; one submission).

Allele frequency attached by ClinVar (database versions not stated): gnomAD 0.00001; ESP Exome Variant Server 0.00008.

Submissions (2):

Labcorp Genetics (formerly Invitae), Labcorp
Classification: Uncertain significance. Last evaluated: 2022-09-13. Review status: criteria provided, single submitter. Criteria: Invitae Variant Classification Sherloc (09022015). Collection method: clinical testing. Allele origin: germline.
Comment: This sequence change affects codon 116 of the MRPL12 mRNA. It is a 'silent' change, meaning that it does not change the encoded amino acid sequence of the MRPL12 protein. In summary, the available evidence is currently insufficient to determine the role of this variant in disease. Therefore, it has been classified as a Variant of Uncertain Significance. Algorithms developed to predict the effect of sequence changes on RNA splicing suggest that this variant may create or strengthen a splice site. This variant has not been reported in the literature in individuals affected with MRPL12-related conditions. This variant is present in population databases (rs140892819, gnomAD 0.0009%).

Dr. Peter K. Rogan Lab, Western University
No classification provided (evidence only). Condition: Pancreatic adenocarcinoma. Review status: no classification provided. Collection method: in vitro. Allele origin: not applicable. Functional consequence: retained intron. Not counted in ClinVar's aggregate classification.

NM_002949.4(MRPL12):c.348G>A (p.Ala116=)

Gene: MRPL12 (mitochondrial ribosomal protein L12; plus strand). Cytogenetic location: 17q25.3.
Variant type: single nucleotide variant.
Coding change: c.348G>A on transcript NM_002949.4 (MANE Select); coding-DNA position 348, G replaced by A.
Protein change: p.Ala116=; no amino-acid change (alanine 116 retained).
Molecular consequence: synonymous variant.
Genome position (GRCh38, 1-based): chr17:81,706,908, G>A. VCF-style: chr17-81706908-G-A. GRCh37 (hg19) VCF-style: chr17-79673938-G-A.
Identifiers: ClinVar variation 1901120 (VCV001901120.6), dbSNP rs140892819, ClinGen allele CA295111807.